The following is an entry in ClinVar:

ClinVar aggregate classification (germline): Benign/Likely benign. Review status: criteria provided, multiple submitters, no conflicts (2 of 4 stars). 2 submissions from 2 submitters: Benign (1); Likely benign (1). Last evaluated 2022-07-20.

Conditions:
Long QT syndrome (LQTS). Identifiers: MedGen C0023976, MeSH D008133, MONDO:0002442. Disease mechanism: loss of function. Inheritance: Various modes of inheritance.

Submissions (2):

Labcorp Genetics (formerly Invitae), Labcorp
Classification: Benign for Long QT syndrome. Last evaluated: 2022-07-20. Review status: criteria provided, single submitter. Criteria: Invitae Variant Classification Sherloc (09022015). Collection method: clinical testing. Allele origin: germline.

GeneDx
Classification: Likely benign. Last evaluated: 2017-10-26. Review status: criteria provided, single submitter. Criteria: GeneDx Variant Classification (06012015). Collection method: clinical testing. Allele origin: germline. Affected: yes.
Comment: This variant is considered likely benign or benign based on one or more of the following criteria: it is a conservative change, it occurs at a poorly conserved position in the protein, it is predicted to be benign by multiple in silico algorithms, and/or has population frequency not consistent with disease.

NM_000719.7(CACNA1C):c.2794-5del

Gene: CACNA1C (calcium voltage-gated channel subunit alpha1 C; plus strand). Cytogenetic location: 12p13.33.
Variant type: Deletion.
Coding change: c.2794-5del on transcript NM_000719.7 (MANE Select); 5 bases into the intron before coding-DNA position 2794, one base deleted (T; older notation c.2794-5delT).
Molecular consequence: intron variant.
Genome position (GRCh38, 1-based): chr12:2,597,225, T deleted; the last of 4 consecutive T bases (chr12:2,597,222-2,597,225); deleting any one gives the same sequence. VCF-style (leftmost placement, unchanged base first): chr12-2597221-GT-G. GRCh37 (hg19) VCF-style: chr12-2706387-GT-G.
Other names: c.2794-5del (NM_001167624.3, NM_001167623.2, NM_001167625.2 and 10 more transcripts); c.2794-212del (NM_001129840.2, NM_001129836.2, NM_001129841.2 and 5 more transcripts); c.2785-5del (NM_001129844.2); c.2794-5delT (NM_000719.6).
Identifiers: ClinVar variation 512955 (VCV000512955.6), dbSNP rs1555860850, ClinGen allele CA658797830.